The following is an entry in ClinVar:

ClinVar aggregate classification (germline): Likely benign. Review status: criteria provided, multiple submitters, no conflicts (2 of 4 stars). 4 submissions from 4 submitters: Likely benign (4). Last evaluated 2025-10-27.

Conditions:
Von Hippel-Lindau syndrome (VHLS). Also called: von Hippel–Lindau syndrome; VHL syndrome; Von Hippel-Lindau. Identifiers: Orphanet 892, MedGen C0019562, MONDO:0008667, OMIM 193300. Disease mechanism: loss of function.
Chuvash polycythemia. Also called: POLYCYTHEMIA, VHL-DEPENDENT. Identifiers: Orphanet 238557, MedGen C1837915, MONDO:0009892, OMIM 263400.

Submissions (4):

Labcorp Genetics (formerly Invitae), Labcorp
Classification: Likely benign for Von Hippel-Lindau syndrome; Chuvash polycythemia. Last evaluated: 2025-10-27. Review status: criteria provided, single submitter. Criteria: Invitae Variant Classification Sherloc (09022015). Collection method: clinical testing. Allele origin: germline.

Myriad Genetics, Inc.
Classification: Likely benign for Von Hippel-Lindau syndrome. Last evaluated: 2025-06-11. Review status: criteria provided, single submitter. Criteria: Myriad Autosomal Dominant, Autosomal Recessive and X-Linked Classification Criteria (2023). Collection method: clinical testing. Allele origin: unknown.
Comment: This variant is considered likely benign. This variant is intronic and is not expected to impact mRNA splicing.

Blueprint Genetics
Classification: Likely benign. Last evaluated: 2023-10-18. Review status: criteria provided, single submitter. Criteria: ACMG Guidelines, 2015. Collection method: clinical testing. Allele origin: germline.

Genomic Diagnostic Laboratory, Division of Genomic Diagnostics, Children's Hospital of Philadelphia
Classification: Likely benign for von Hippel-Lindau syndrome. Last evaluated: 2018-08-01. Review status: criteria provided, single submitter. Criteria: DGD Variant Analysis Guidelines. Collection method: clinical testing. Allele origin: germline. Observed: 1 variant allele.

NM_000551.4(VHL):c.340+8C>T

Gene: VHL (von Hippel-Lindau tumor suppressor; plus strand). Cytogenetic location: 3p25.3.
Variant type: single nucleotide variant.
Coding change: c.340+8C>T on transcript NM_000551.4 (MANE Select); 8 bases into the intron after coding-DNA position 340, C replaced by T.
Molecular consequence: intron variant.
Genome position (GRCh38, 1-based): chr3:10,142,195, C>T. VCF-style: chr3-10142195-C-T. GRCh37 (hg19) VCF-style: chr3-10183879-C-T.
Other names: c.340+8C>T (NM_001354723.2, NM_198156.3).
Identifiers: ClinVar variation 625237 (VCV000625237.13), dbSNP rs756068442, ClinGen allele CA645524865.